The following is an entry in ClinVar:

ClinVar aggregate classification (germline): Uncertain significance (1 of 4 stars; one submission).

Allele frequency attached by ClinVar (database versions not stated): gnomAD exomes below 0.00001; gnomAD 0.00001; TOPMed 0.00002.
gnomAD v4.1: 5 of 1,606,016 alleles (0.00031%); highest among the groups gnomAD compares: Admixed American, 0.0083%; no homozygotes.

Submission:

Labcorp Genetics (formerly Invitae), Labcorp
Classification: Uncertain significance. Last evaluated: 2023-05-20. Review status: criteria provided, single submitter. Criteria: Invitae Variant Classification Sherloc (09022015). Collection method: clinical testing. Allele origin: germline.
Comment: In summary, the available evidence is currently insufficient to determine the role of this variant in disease. Therefore, it has been classified as a Variant of Uncertain Significance. Algorithms developed to predict the effect of sequence changes on RNA splicing suggest that this variant may disrupt the consensus splice site. This variant has not been reported in the literature in individuals affected with GUCY2C-related conditions. This variant is present in population databases (no rsID available, gnomAD 0.006%). This sequence change creates a premature translational stop signal (p.Glu474*) in the GUCY2C gene. It is expected to result in an absent or disrupted protein product. However, the current clinical and genetic evidence is not sufficient to establish whether loss-of-function variants in GUCY2C cause disease.

NM_004963.4(GUCY2C):c.1420G>T (p.Glu474Ter)

Gene: GUCY2C (guanylate cyclase 2C; minus strand). Cytogenetic location: 12p12.3.
Variant type: single nucleotide variant.
Coding change: c.1420G>T on transcript NM_004963.4 (MANE Select); coding-DNA position 1420, G replaced by T.
Protein change: p.Glu474Ter; replaces glutamic acid 474 with a stop codon.
Molecular consequence: nonsense.
Genome position (GRCh38, 1-based): chr12:14,656,562, C>A on the plus strand (G>T on the coding strand, the complement: GUCY2C is on the minus strand). VCF-style: chr12-14656562-C-A. GRCh37 (hg19) VCF-style: chr12-14809496-C-A.
Other names: short protein forms E474*.
Identifiers: ClinVar variation 3004715 (VCV003004715.3), dbSNP rs1234424881, ClinGen allele CA383991787.